The following is an entry in ClinVar:

ClinVar aggregate classification (germline): Conflicting classifications of pathogenicity. Review status: criteria provided, conflicting classifications (1 of 4 stars). 2 submissions from 2 submitters: Uncertain significance (1); Likely benign (1). Last evaluated 2023-03-23.

Conditions:
Hereditary cancer-predisposing syndrome. Also called: Hereditary neoplastic syndrome; Tumor predisposition; Neoplastic Syndromes, Hereditary; Hereditary Cancer Syndrome. Identifiers: Orphanet 140162, MedGen C0027672, MeSH D009386, MONDO:0015356.

Submissions (2):

University of Washington Department of Laboratory Medicine, University of Washington
Classification: Likely benign for Hereditary cancer-predisposing syndrome. Last evaluated: 2023-03-23. Review status: criteria provided, single submitter. Criteria: Dines et al. (Genet Med. 2020). Collection method: curation. Allele origin: germline.
Comment: Missense variant in a coldspot region where missense variants are very unlikely to be pathogenic (PMID:31911673).

BRCA2 exon 10 coldspot. Reclassification based on statistical prior probability.

GeneDx
Classification: Uncertain significance. Last evaluated: 2020-09-09. Review status: criteria provided, single submitter. Criteria: GeneDx Variant Classification Process June 2021. Collection method: clinical testing. Allele origin: germline. Affected: yes.
Comment: Not observed in large population cohorts (Lek 2016); In silico analysis supports that this missense variant does not alter protein structure/function; Has not been previously published as pathogenic or benign to our knowledge; Also known as c.1792G>A

NM_000059.4(BRCA2):c.1564G>A (p.Gly522Ser)

Gene: BRCA2 (BRCA2 DNA repair associated; plus strand). Cytogenetic location: 13q13.1.
Variant type: single nucleotide variant.
Coding change: c.1564G>A on transcript NM_000059.4 (MANE Select); coding-DNA position 1564, G replaced by A.
Protein change: p.Gly522Ser; replaces glycine 522 with serine.
Molecular consequence: missense variant.
Genome position (GRCh38, 1-based): chr13:32,333,042, G>A. VCF-style: chr13-32333042-G-A. GRCh37 (hg19) VCF-style: chr13-32907179-G-A.
Other names: short protein forms G522S.
Identifiers: ClinVar variation 1190602 (VCV001190602.4), dbSNP rs80358442, ClinGen allele CA387764709.